The following is an entry in ClinVar:

NM_022773.4(LMF1):c.455C>G (p.Ala152Gly)

Gene: LMF1 (lipase maturation factor 1; minus strand). Cytogenetic location: 16p13.3.
Variant type: single nucleotide variant.
Coding change: c.455C>G on transcript NM_022773.4 (MANE Select); coding-DNA position 455, C replaced by G.
Protein change: p.Ala152Gly; replaces alanine 152 with glycine.
Molecular consequence: missense variant. On other transcripts: non-coding transcript variant (1), 5 prime UTR variant (3).
Genome position (GRCh38, 1-based): chr16:954,405, G>C on the plus strand (C>G on the coding strand, the complement: LMF1 is on the minus strand). VCF-style: chr16-954405-G-C. GRCh37 (hg19) VCF-style: chr16-1004405-G-C.
Other names: c.-349C>G (NM_001352017.2); c.-100C>G (NM_001352018.2); c.128C>G, p.Ala43Gly (NM_001352019.2); c.455C>G, p.Ala152Gly (NM_001352020.1); c.-251C>G (NM_001352021.2); short protein forms A43G, A152G.
Identifiers: ClinVar variation 1473226 (VCV001473226.6), dbSNP rs1180918674, ClinGen allele CA394104134.

ClinVar aggregate classification (germline): Uncertain significance (1 of 4 stars; one submission).

Allele frequency attached by ClinVar (database versions not stated): gnomAD 0.00001; TOPMed 0.00001.
gnomAD v4.1: 1 of 1,612,930 alleles (0.000062%); highest among the groups gnomAD compares: Non-Finnish European, 0.000085%; no homozygotes.

Submission:

Labcorp Genetics (formerly Invitae), Labcorp
Classification: Uncertain significance. Last evaluated: 2021-10-26. Review status: criteria provided, single submitter. Criteria: Invitae Variant Classification Sherloc (09022015). Collection method: clinical testing. Allele origin: germline.
Comment: This sequence change replaces alanine with glycine at codon 152 of the LMF1 protein (p.Ala152Gly). The alanine residue is moderately conserved and there is a small physicochemical difference between alanine and glycine. In summary, the available evidence is currently insufficient to determine the role of this variant in disease. Therefore, it has been classified as a Variant of Uncertain Significance. Algorithms developed to predict the effect of missense changes on protein structure and function are either unavailable or do not agree on the potential impact of this missense change (SIFT: "Deleterious"; PolyPhen-2: "Benign"; Align-GVGD: "Class C0"). This variant has not been reported in the literature in individuals affected with LMF1-related conditions. This variant is not present in population databases (ExAC no frequency).